The following is an entry in ClinVar:

NM_000302.4(PLOD1):c.1471-6C>T

Gene: PLOD1 (procollagen-lysine,2-oxoglutarate 5-dioxygenase 1; plus strand). Cytogenetic location: 1p36.22.
Variant type: single nucleotide variant.
Coding change: c.1471-6C>T on transcript NM_000302.4 (MANE Select); 6 bases into the intron before coding-DNA position 1471, C replaced by T.
Molecular consequence: intron variant.
Genome position (GRCh38, 1-based): chr1:11,965,474, C>T. VCF-style: chr1-11965474-C-T. GRCh37 (hg19) VCF-style: chr1-12025531-C-T.
Other names: c.1612-6C>T (NM_001316320.2).
Identifiers: ClinVar variation 767537 (VCV000767537.11), dbSNP rs751904520, ClinGen allele CA598423.
Genomic context (GRCh38, chr1:11,965,474, plus strand): 5'-CAGGGGAGGGGTGAGGGCAGGGGAGGGGTGGGGGAGCGCCTCTTCCACCGGGCCTGTCCT[C>T]CCCAGGATGTGTTCATGTTCCTGACCAACCGGCACACCCTTGGCCATCTGCTCTCCCTAG-3'

ClinVar aggregate classification (germline): Likely benign. Review status: criteria provided, multiple submitters, no conflicts (2 of 4 stars). 3 submissions from 3 submitters: Likely benign (3). Last evaluated 2026-09-02.

Conditions:
PLOD1-related disorder. Also called: PLOD1-related condition.
Ehlers-Danlos syndrome, kyphoscoliotic type 1 (EDSKSCL1). Also called: Ehlers-Danlos syndrome, hydroxylysine-deficient; EHLERS-DANLOS SYNDROME, TYPE VIA; PLOD1-Related Kyphoscoliotic Ehlers-Danlos Syndrome; EHLERS-DANLOS SYNDROME, OCULAR-SCOLIOTIC TYPE. Identifiers: Orphanet 1900, MedGen C0268342, MONDO:0016002, OMIM 225400. Disease mechanism: loss of function.

Allele frequency attached by ClinVar (database versions not stated): gnomAD exomes below 0.00001 and 0.00001; ExAC 0.00001.
gnomAD v4.1: 8 of 1,588,176 alleles (0.0005%); highest among the groups gnomAD compares: Middle Eastern, 0.067%; no homozygotes.

Submissions (3):

PreventionGenetics, part of Exact Sciences
Classification: Likely benign for PLOD1-related condition. Last evaluated: 2026-09-02. Review status: criteria provided, single submitter. Criteria: ACMG Guidelines, 2015. Collection method: clinical testing. Allele origin: germline.
Comment: This variant is classified as likely benign based on ACMG/AMP sequence variant interpretation guidelines (Richards et al. 2015 PMID: 25741868, with internal and published modifications).

Labcorp Genetics (formerly Invitae), Labcorp
Classification: Likely benign for Ehlers-Danlos syndrome, kyphoscoliotic type 1. Last evaluated: 2025-06-15. Review status: criteria provided, single submitter. Criteria: Invitae Variant Classification Sherloc (09022015). Collection method: clinical testing. Allele origin: germline.

Blueprint Genetics
Classification: Likely benign. Last evaluated: 2024-10-24. Review status: criteria provided, single submitter. Criteria: ACMG Guidelines, 2015. Collection method: clinical testing. Allele origin: germline.